The following is an entry in ClinVar:

ClinVar aggregate classification (germline): Uncertain significance. Review status: criteria provided, multiple submitters, no conflicts (2 of 4 stars). 2 submissions from 2 submitters: Uncertain significance (2). Last evaluated 2025-07-11.

Conditions:
Inborn genetic diseases. Identifiers: MedGen C0950123, MeSH D030342.

Allele frequency attached by ClinVar (database versions not stated): TOPMed 0.00002; gnomAD 0.00003; ExAC 0.00003; gnomAD exomes 0.00001.
gnomAD v4.1: 21 of 1,608,964 alleles (0.0013%); highest among the groups gnomAD compares: African/African-American, 0.004%; no homozygotes.

Submissions (2):

GeneDx
Classification: Uncertain significance. Last evaluated: 2025-07-11. Review status: criteria provided, single submitter. Criteria: GeneDx Variant Classification Process June 2021. Collection method: clinical testing. Allele origin: germline. Affected: yes.
Comment: Not observed at significant frequency in large population cohorts (gnomAD); In silico analysis supports that this missense variant has a deleterious effect on protein structure/function; Has not been previously published as pathogenic or benign to our knowledge

Ambry Genetics
Classification: Uncertain significance for Inborn genetic diseases. Last evaluated: 2023-04-05. Review status: criteria provided, single submitter. Criteria: Ambry Variant Classification Scheme 2023. Collection method: clinical testing. Allele origin: germline.

NM_018993.4(RIN2):c.2320C>T (p.Arg774Trp)

Gene: RIN2 (Ras and Rab interactor 2; plus strand). Cytogenetic location: 20p11.23.
Variant type: single nucleotide variant.
Coding change: c.2320C>T on transcript NM_018993.4 (MANE Select); coding-DNA position 2320, C replaced by T.
Protein change: p.Arg774Trp; replaces arginine 774 with tryptophan.
Molecular consequence: missense variant.
Genome position (GRCh38, 1-based): chr20:19,996,798, C>T. VCF-style: chr20-19996798-C-T. GRCh37 (hg19) VCF-style: chr20-19977442-C-T.
Other names: c.2467C>T, p.Arg823Trp (NM_001242581.2); c.1702C>T, p.Arg568Trp (NM_001378238.1); short protein forms R774W, R823W, R568W.
Identifiers: ClinVar variation 393273 (VCV000393273.5), dbSNP rs772994328, ClinGen allele CA9780268.